The following is an entry in ClinVar:

NM_019842.4(KCNQ5):c.1810G>C (p.Gly604Arg)

Gene: KCNQ5 (potassium voltage-gated channel subfamily Q member 5; plus strand). Cytogenetic location: 6q13.
Variant type: single nucleotide variant.
Coding change: c.1810G>C on transcript NM_019842.4 (MANE Select); coding-DNA position 1810, G replaced by C.
Protein change: p.Gly604Arg; replaces glycine 604 with arginine.
Molecular consequence: missense variant.
Genome position (GRCh38, 1-based): chr6:73,192,665, G>C. VCF-style: chr6-73192665-G-C. GRCh37 (hg19) VCF-style: chr6-73902388-G-C.
Other names: c.1783G>C, p.Gly595Arg (NM_001160130.2); c.1840G>C, p.Gly614Arg (NM_001160132.2); c.1867G>C, p.Gly623Arg (NM_001160133.2); c.1480G>C, p.Gly494Arg (NM_001160134.2); short protein forms G595R, G494R, G623R, G614R, G604R.
Identifiers: ClinVar variation 1390052 (VCV001390052.6), dbSNP rs541012691, ClinGen allele CA364693701.

ClinVar aggregate classification (germline): Uncertain significance (1 of 4 stars; one submission).

gnomAD v4.1: 1 of 1,599,666 alleles (0.000063%); highest among the groups gnomAD compares: Non-Finnish European, 0.000085%; no homozygotes.

Submission:

Labcorp Genetics (formerly Invitae), Labcorp
Classification: Uncertain significance. Last evaluated: 2024-02-17. Review status: criteria provided, single submitter. Criteria: Invitae Variant Classification Sherloc (09022015). Collection method: clinical testing. Allele origin: germline.
Comment: This sequence change replaces glycine, which is neutral and non-polar, with arginine, which is basic and polar, at codon 623 of the KCNQ5 protein (p.Gly623Arg). This variant is not present in population databases (gnomAD no frequency). This variant has not been reported in the literature in individuals affected with KCNQ5-related conditions. ClinVar contains an entry for this variant (Variation ID: 1390052). Advanced modeling of protein sequence and biophysical properties (such as structural, functional, and spatial information, amino acid conservation, physicochemical variation, residue mobility, and thermodynamic stability) has been performed at Invitae for this missense variant, however the output from this modeling did not meet the statistical confidence thresholds required to predict the impact of this variant on KCNQ5 protein function. In summary, the available evidence is currently insufficient to determine the role of this variant in disease. Therefore, it has been classified as a Variant of Uncertain Significance.